The following is an entry in ClinVar:

NM_000439.5(PCSK1):c.573T>A (p.Asp191Glu)

Genes: CAST (calpastatin; plus strand), PCSK1 (proprotein convertase subtilisin/kexin type 1; minus strand), LOC101929710 (uncharacterized LOC101929710; plus strand). Cytogenetic location: 5q15.
Variant type: single nucleotide variant.
Coding change: c.573T>A on transcript NM_000439.5 (MANE Select); coding-DNA position 573, T replaced by A.
Protein change: p.Asp191Glu; replaces aspartic acid 191 with glutamic acid.
Molecular consequence: missense variant. On other transcripts: intron variant (11).
Genome position (GRCh38, 1-based): chr5:96,421,927, A>T on the plus strand (T>A on the coding strand, the complement: PCSK1 is on the minus strand). VCF-style: chr5-96421927-A-T. GRCh37 (hg19) VCF-style: chr5-95757631-A-T.
Other names: c.432T>A, p.Asp144Glu (NM_001177875.2); c.-175+42275A>T (NM_001423254.1, NM_001423259.1, NM_001423255.1 and 6 more transcripts); c.-103+42275A>T (NM_001423253.1); c.-40+42275A>T (NM_001423258.1); short protein forms D144E, D191E.
Identifiers: ClinVar variation 3358661 (VCV003358661.1).

ClinVar aggregate classification (germline): Uncertain significance (0 of 4 stars; one submission).

Conditions:
PCSK1-related disorder. Also called: PCSK1-related condition.

gnomAD v4.1: 2 of 1,573,370 alleles (0.00013%); highest among the groups gnomAD compares: Admixed American, 0.0034%; no homozygotes.

Submission:

PreventionGenetics, part of Exact Sciences
Classification: Uncertain significance for PCSK1-related condition. Last evaluated: 2024-05-21. Review status: no assertion criteria provided. Collection method: clinical testing. Allele origin: germline.
Comment: The PCSK1 c.573T>A variant is predicted to result in the amino acid substitution p.Asp191Glu. This variant was observed in a cohort of obese individuals, and in vitro functional studies show inconclusive evidence of loss of function (Table 3 and Supplemental Data Set, Shah et al. 2023. PubMed ID: 36864747). It is reported in 0.0029% of alleles in individuals of Latino descent in gnomAD. At this time, the clinical significance of this variant is uncertain due to the absence of conclusive functional and genetic evidence.